The following is an entry in ClinVar:

ClinVar aggregate classification (germline): Uncertain significance (1 of 4 stars; one submission).

Conditions:
Genitopatellar syndrome (GTPTS). Also called: Genitopatellar syndrome (GPS); ABSENT PATELLAE, SCROTAL HYPOPLASIA, RENAL ANOMALIES, FACIAL DYSMORPHISM, AND MENTAL RETARDATION. Identifiers: Orphanet 85201, MedGen C1853566, MONDO:0011640, OMIM 606170.

Allele frequency attached by ClinVar (database versions not stated): gnomAD exomes below 0.00001; ExAC 0.00001; TOPMed 0.00002.
gnomAD v4.1: 6 of 1,613,756 alleles (0.00037%); highest among the groups gnomAD compares: Non-Finnish European, 0.00034%; no homozygotes.

Submission:

Labcorp Genetics (formerly Invitae), Labcorp
Classification: Uncertain significance for Genitopatellar syndrome. Last evaluated: 2024-03-27. Review status: criteria provided, single submitter. Criteria: Invitae Variant Classification Sherloc (09022015). Collection method: clinical testing. Allele origin: germline.
Comment: This sequence change falls in intron 15 of the KAT6B gene. It does not directly change the encoded amino acid sequence of the KAT6B protein. It affects a nucleotide within the consensus splice site. This variant is present in population databases (rs761666873, gnomAD 0.003%). This variant has not been reported in the literature in individuals affected with KAT6B-related conditions. Variants that disrupt the consensus splice site are a relatively common cause of aberrant splicing (PMID: 17576681, 9536098). Algorithms developed to predict the effect of sequence changes on RNA splicing suggest that this variant is not likely to affect RNA splicing. In summary, the available evidence is currently insufficient to determine the role of this variant in disease. Therefore, it has been classified as a Variant of Uncertain Significance.

Literature cited by the submitters: PubMed 17576681; PubMed 9536098.

NM_012330.4(KAT6B):c.3021+6G>A

Gene: KAT6B (lysine acetyltransferase 6B; plus strand). Cytogenetic location: 10q22.2.
Variant type: single nucleotide variant.
Coding change: c.3021+6G>A on transcript NM_012330.4 (MANE Select); 6 bases into the intron after coding-DNA position 3021, G replaced by A.
Molecular consequence: intron variant.
Genome position (GRCh38, 1-based): chr10:75,021,291, G>A. VCF-style: chr10-75021291-G-A. GRCh37 (hg19) VCF-style: chr10-76781049-G-A.
Other names: c.2145+6G>A (NM_001370139.1, NM_001370140.1, NM_001370141.1 and 2 more transcripts); c.3021+6G>A (NM_001370136.1, NM_001370137.1); c.2472+6G>A (NM_001370138.1, NM_001256468.2); c.1332+6G>A (NM_001370133.1); c.936+6G>A (NM_001370134.1); c.1956+6G>A (NM_001370143.1, NM_001370144.1); c.1983+6G>A (NM_001370132.1); c.678+6G>A (NM_001370135.1).
Identifiers: ClinVar variation 2857527 (VCV002857527.3), dbSNP rs761666873, ClinGen allele CA5564699.
Genomic context (GRCh38, chr10:75,021,291, plus strand): 5'-AATTTTAATTTCTAATGCTGCAGTGTCTGAAGAAGAGCGAGAAGCTGAGAAAGAGGTAAT[G>A]ATTGTCTTTATCATCCTAAGTTGTGTAACTTCAATCTTGTAGCATTCTTAAGCTAAGAAA-3'